The following is an entry in ClinVar:

ClinVar aggregate classification (germline): Likely benign (1 of 4 stars; one submission).

Conditions:
TRIOBP-related disorder. Also called: TRIOBP-related condition.

gnomAD v4.1: 244 of 1,609,870 alleles (0.015%); highest among the groups gnomAD compares: East Asian, 0.54%; no homozygotes.

Submission:

PreventionGenetics, part of Exact Sciences
Classification: Likely benign for TRIOBP-related condition. Last evaluated: 2025-08-13. Review status: criteria provided, single submitter. Criteria: ACMG Guidelines, 2015. Collection method: clinical testing. Allele origin: germline.
Comment: This variant is classified as likely benign based on ACMG/AMP sequence variant interpretation guidelines (Richards et al. 2015 PMID: 25741868, with internal and published modifications).

NM_001039141.3(TRIOBP):c.4840G>T (p.Gly1614Cys)

Gene: TRIOBP (TRIO and F-actin binding protein; plus strand). Cytogenetic location: 22q13.1.
Variant type: single nucleotide variant.
Coding change: c.4840G>T on transcript NM_001039141.3 (MANE Select); coding-DNA position 4840, G replaced by T.
Protein change: p.Gly1614Cys; replaces glycine 1614 with cysteine.
Molecular consequence: missense variant.
Genome position (GRCh38, 1-based): chr22:37,735,176, G>T. VCF-style: chr22-37735176-G-T. GRCh37 (hg19) VCF-style: chr22-38131183-G-T.
Other names: short protein forms G1614C.
Identifiers: ClinVar variation 4978947 (VCV004978947.1).